The following is an entry in ClinVar:

NM_170707.4(LMNA):c.334G>A (p.Glu112Lys)

Gene: LMNA (lamin A/C; plus strand). Cytogenetic location: 1q22.
Variant type: single nucleotide variant.
Coding change: c.334G>A on transcript NM_170707.4 (MANE Select); coding-DNA position 334, G replaced by A.
Protein change: p.Glu112Lys; replaces glutamic acid 112 with lysine.
Molecular consequence: missense variant.
Genome position (GRCh38, 1-based): chr1:156,115,252, G>A. VCF-style: chr1-156115252-G-A. GRCh37 (hg19) VCF-style: chr1-156085043-G-A.
Other names: c.334G>A, p.Glu112Lys (NM_001282625.2, NM_001282626.2, NM_005572.4 and 1 more transcripts); short protein forms E112K.
Identifiers: ClinVar variation 520446 (VCV000520446.13), dbSNP rs1553262031, ClinGen allele CA342808858.

ClinVar aggregate classification (germline): Uncertain significance. Review status: criteria provided, multiple submitters, no conflicts (2 of 4 stars). 5 submissions from 5 submitters: Uncertain significance (5). Last evaluated 2026-11-04.

Conditions:
Charcot-Marie-Tooth disease type 2. Also called: Charcot-Marie-Tooth type 2. Identifiers: Orphanet 64746, MedGen C0270914, MONDO:0018993.
Cardiomyopathy (CMYO). Also called: Cardiomyopathies. Identifiers: Orphanet 167848, MedGen C0878544, MONDO:0004994, HP:0001638. Inheritance: Various modes of inheritance.
Cardiovascular phenotype. Identifiers: MedGen CN230736.
Primary familial dilated cardiomyopathy (FDC). Also called: Familial dilated cardiomyopathy; Hypokinetic dilated cardiomyopathy, familial. Identifiers: Orphanet 217607, MedGen C0340427, MONDO:0016333.

Submissions (5):

Clinical Genetics Laboratory, Skane University Hospital Lund
Classification: Uncertain significance for Cardiomyopathy. Last evaluated: 2026-11-04. Review status: criteria provided, single submitter. Criteria: ACMG Guidelines, 2015. Collection method: clinical testing. Allele origin: germline. Affected: yes.
Comment: LMNA (NM_170707.4) c.334G>A, p.(Glu112Lys) represents a nucleotide substitution in exon 1 of 12, resulting in the amino acid change indicated above, which is predicted to be deleterious to protein function. The LMNA c.334G>A variant has not been identified in the general population and is classified as a variant of uncertain significance (VUS) in the ClinVar database (Accession: VCV000520446.12), where it has been reported in individuals with dilated cardiomyopathy. At present, the variant has been classified as being of uncertain clinical significance based on the following ACMG criteria: PS4_Supporting, PM2, PP2, and PP3.

Labcorp Genetics (formerly Invitae), Labcorp
Classification: Uncertain significance for Charcot-Marie-Tooth disease type 2. Last evaluated: 2025-12-20. Review status: criteria provided, single submitter. Criteria: Invitae Variant Classification Sherloc (09022015). Collection method: clinical testing. Allele origin: germline.
Comment: This sequence change replaces glutamic acid, which is acidic and polar, with lysine, which is basic and polar, at codon 112 of the LMNA protein (p.Glu112Lys). This variant is not present in population databases (gnomAD no frequency). This variant has not been reported in the literature in individuals affected with LMNA-related conditions. ClinVar contains an entry for this variant (Variation ID: 520446). Invitae Evidence Modeling of protein sequence and biophysical properties (such as structural, functional, and spatial information, amino acid conservation, physicochemical variation, residue mobility, and thermodynamic stability) indicates that this missense variant is expected to disrupt LMNA protein function with a positive predictive value of 95%. In summary, the available evidence is currently insufficient to determine the role of this variant in disease. Therefore, it has been classified as a Variant of Uncertain Significance.

Ambry Genetics
Classification: Uncertain significance for Cardiovascular phenotype. Last evaluated: 2025-03-06. Review status: criteria provided, single submitter. Criteria: Ambry Variant Classification Scheme 2023. Collection method: clinical testing. Allele origin: germline.
Comment: The p.E112K variant (also known as c.334G>A), located in coding exon 1 of the LMNA gene, results from a G to A substitution at nucleotide position 334. The glutamic acid at codon 112 is replaced by lysine, an amino acid with similar properties. This amino acid position is well conserved in available vertebrate species. In addition, the in silico prediction for this alteration is inconclusive. Based on the available evidence, the clinical significance of this variant remains unclear.

Color Diagnostics, LLC DBA Color Health
Classification: Uncertain significance for Cardiomyopathy. Last evaluated: 2021-01-26. Review status: criteria provided, single submitter. Criteria: ACMG Guidelines, 2015. Collection method: clinical testing. Allele origin: germline.
Comment: This missense variant replaces glutamic acid with lysine at codon 112 of the lamin A/C proteins. Computational prediction suggests that this variant may have deleterious impact on protein structure and function (internally defined REVEL score threshold >= 0.7, PMID: 27666373). To our knowledge, functional studies have not been reported for this variant. This variant has not been reported in individuals affected with cardiovascular disorders in the literature. This variant has not been identified in the general population by the Genome Aggregation Database (gnomAD). The available evidence is insufficient to determine the role of this variant in disease conclusively. Therefore, this variant is classified as a Variant of Uncertain Significance.

Molecular Diagnostic Laboratory for Inherited Cardiovascular Disease, Montreal Heart Institute
Classification: Uncertain significance for Primary familial dilated cardiomyopathy. Last evaluated: 2016-05-18. Review status: criteria provided, single submitter. Criteria: ACMG Guidelines, 2015. Collection method: clinical testing. Allele origin: germline. Affected: yes.